The following is an entry in ClinVar:

NM_021930.6(RINT1):c.188A>G (p.Glu63Gly)

Gene: RINT1 (RAD50 interactor 1; plus strand). Cytogenetic location: 7q22.3.
Variant type: single nucleotide variant.
Coding change: c.188A>G on transcript NM_021930.6 (MANE Select); coding-DNA position 188, A replaced by G.
Protein change: p.Glu63Gly; replaces glutamic acid 63 with glycine.
Molecular consequence: missense variant. On other transcripts: 5 prime UTR variant (3), non-coding transcript variant (1), intron variant (1).
Genome position (GRCh38, 1-based): chr7:105,536,664, A>G. VCF-style: chr7-105536664-A-G. GRCh37 (hg19) VCF-style: chr7-105177111-A-G.
Other names: c.-832A>G (NM_001346600.2); c.-735A>G (NM_001346601.2); c.-355A>G (NM_001346603.2); c.39+52A>G (NM_001346599.2); short protein forms E63G.
Identifiers: ClinVar variation 3433587 (VCV003433587.1).
Genomic context (GRCh38, chr7:105,536,664, plus strand): 5'-TCAGTGAAGGTACAGATAATGGTGATCTCCCTTCTTATGTGTCTGCATTCATAGAAAAGG[A>G]AGTTGGAAATGACCTTAAATCTTTAAAGAAACTTGATAAACTCATAGAACAGAGGACAGT-3'
Protein context (NP_068749.3, residues 53-73): PSYVSAFIEK[Glu63Gly]VGNDLKSLKK

ClinVar aggregate classification (germline): Uncertain significance (1 of 4 stars; one submission).

Submission:

Ambry Genetics
Classification: Uncertain significance. Last evaluated: 2024-07-05. Review status: criteria provided, single submitter. Criteria: Ambry Variant Classification Scheme 2023. Collection method: clinical testing. Allele origin: germline.
Comment: The p.E63G variant (also known as c.188A>G), located in coding exon 3 of the RINT1 gene, results from an A to G substitution at nucleotide position 188. The glutamic acid at codon 63 is replaced by glycine, an amino acid with similar properties. This amino acid position is conserved. In addition, the in silico prediction for this alteration is inconclusive. Based on the available evidence, the clinical significance of this variant remains unclear.